The following is an entry in ClinVar:

ClinVar aggregate classification (germline): Likely benign. Review status: criteria provided, multiple submitters, no conflicts (2 of 4 stars). 2 submissions from 2 submitters: Likely benign (2). Last evaluated 2024-11-13.

Conditions:
Congenital myasthenic syndrome 8. Also called: Myasthenic syndrome, congenital, 8, with pre- and postsynaptic defects; MYASTHENIC SYNDROME, CONGENITAL, DUE TO AGRIN DEFICIENCY. Identifiers: Orphanet 590, MedGen C3808739, MONDO:0014052, OMIM 615120.

Allele frequency attached by ClinVar (database versions not stated): TOPMed 0.00004; gnomAD exomes 0.00008 and 0.00005; gnomAD 0.00006 and 0.00005; ExAC 0.00008; ESP Exome Variant Server 0.00023; 1000 Genomes Project 30x 0.00016; 1000 Genomes Project 0.00020.
gnomAD v4.1: 127 of 1,612,622 alleles (0.0079%); highest among the groups gnomAD compares: Non-Finnish European, 0.0099%; no homozygotes.

Submissions (2):

Labcorp Genetics (formerly Invitae), Labcorp
Classification: Likely benign for Congenital myasthenic syndrome 8. Last evaluated: 2024-11-13. Review status: criteria provided, single submitter. Criteria: Invitae Variant Classification Sherloc (09022015). Collection method: clinical testing. Allele origin: germline.

GeneDx
Classification: Likely benign. Last evaluated: 2017-10-26. Review status: criteria provided, single submitter. Criteria: GeneDx Variant Classification (06012015). Collection method: clinical testing. Allele origin: germline. Affected: yes.
Comment: This variant is considered likely benign or benign based on one or more of the following criteria: it is a conservative change, it occurs at a poorly conserved position in the protein, it is predicted to be benign by multiple in silico algorithms, and/or has population frequency not consistent with disease.

NM_198576.4(AGRN):c.3516+8G>A

Gene: AGRN (agrin; plus strand). Cytogenetic location: 1p36.33.
Variant type: single nucleotide variant.
Coding change: c.3516+8G>A on transcript NM_198576.4 (MANE Select); 8 bases into the intron after coding-DNA position 3516, G replaced by A.
Molecular consequence: intron variant.
Genome position (GRCh38, 1-based): chr1:1,047,462, G>A. VCF-style: chr1-1047462-G-A. GRCh37 (hg19) VCF-style: chr1-982842-G-A.
Other names: c.3516+8G>A (NM_001305275.2); c.3201+8G>A (NM_001364727.2).
Identifiers: ClinVar variation 512871 (VCV000512871.9), dbSNP rs199620555, ClinGen allele CA509091.
Genomic context (GRCh38, chr1:1,047,462, plus strand): 5'-CTGACCCCAAGTCAGAACTGTTCGGGGAGACAGCCAGGAGCATTGAGAGCACCGTAAGAC[G>A]GGGGCGCAGCCCCCACCTACCCACTGGCCTTCCTCCCCAGATACCCAGAGCAGCACCAGG-3'